The following is an entry in ClinVar:

ClinVar aggregate classification (germline): Uncertain significance. Review status: criteria provided, multiple submitters, no conflicts (2 of 4 stars). 3 submissions from 3 submitters: Uncertain significance (3). Last evaluated 2026-01-04.

Conditions:
Inborn genetic diseases. Identifiers: MedGen C0950123, MeSH D030342.
Brain small vessel disease 1 with or without ocular anomalies (BSVD1). Also called: BRAIN SMALL VESSEL DISEASE WITH HEMORRHAGE; Brain small vessel disease with or without ocular anomalies; GOULD SYNDROME 1; PORENCEPHALY, TYPE 1, AUTOSOMAL DOMINANT. Identifiers: Orphanet 2940, Orphanet 36383, Orphanet 99810, MedGen C4755307, MONDO:0008289, OMIM 175780.
Hemorrhage, intracerebral, susceptibility to (ICH). Also called: Stroke, hemorrhagic, susceptibility to. Identifiers: MedGen C3281105, MONDO:0100533, OMIM 614519.
Retinal arterial tortuosity. Also called: RETINAL HEMORRHAGE WITH VASCULAR TORTUOSITY; Retinal arteries, tortuosity of. Identifiers: Orphanet 75326, MedGen C0423401, MONDO:0008373, OMIM 180000, HP:0000631.
Autosomal dominant familial hematuria-retinal arteriolar tortuosity-contractures syndrome. Also called: Angiopathy, hereditary, with nephropathy, aneurysms, and muscle cramps; Hereditary Angiopathy with Nephropathy, Aneurysms, and Muscle Cramps (HANAC) Syndrome. Identifiers: Orphanet 73229, MedGen C2673195, MONDO:0012726, OMIM 611773.
Microangiopathy and leukoencephalopathy, pontine, autosomal dominant. Also called: DEMENTIA, HEREDITARY MULTI-INFARCT, SWEDISH TYPE; Pontine autosomal dominant microangiopathy with leukoencephalopathy. Identifiers: Orphanet 477749, MedGen C5231411, MONDO:0032814, OMIM 618564.

Submissions (3):

Labcorp Genetics (formerly Invitae), Labcorp
Classification: Uncertain significance. Last evaluated: 2026-01-04. Review status: criteria provided, single submitter. Criteria: Invitae Variant Classification Sherloc (09022015). Collection method: clinical testing. Allele origin: germline.
Comment: This sequence change replaces isoleucine, which is neutral and non-polar, with valine, which is neutral and non-polar, at codon 110 of the COL4A1 protein (p.Ile110Val). This variant is not present in population databases (gnomAD no frequency). This variant has not been reported in the literature in individuals affected with COL4A1-related conditions. ClinVar contains an entry for this variant (Variation ID: 3575754). Invitae Evidence Modeling of protein sequence and biophysical properties (such as structural, functional, and spatial information, amino acid conservation, physicochemical variation, residue mobility, and thermodynamic stability) indicates that this missense variant is not expected to disrupt COL4A1 protein function with a negative predictive value of 95%. In summary, the available evidence is currently insufficient to determine the role of this variant in disease. Therefore, it has been classified as a Variant of Uncertain Significance.

Ambry Genetics
Classification: Uncertain significance for Inborn genetic diseases. Last evaluated: 2025-01-01. Review status: criteria provided, single submitter. Criteria: Ambry Variant Classification Scheme 2023. Collection method: clinical testing. Allele origin: germline.

Fulgent Genetics
Classification: Uncertain significance for Brain small vessel disease 1 with or without ocular anomalies; Retinal arterial tortuosity; Autosomal dominant familial hematuria-retinal arteriolar tortuosity-contractures syndrome; Hemorrhage, intracerebral, susceptibility to; Microangiopathy and leukoencephalopathy, pontine, autosomal dominant. Last evaluated: 2024-05-03. Review status: criteria provided, single submitter. Criteria: ACMG Guidelines, 2015. Collection method: clinical testing. Allele origin: germline.

NM_001845.6(COL4A1):c.328A>G (p.Ile110Val)

Gene: COL4A1 (collagen type IV alpha 1 chain; minus strand). Cytogenetic location: 13q34.
Variant type: single nucleotide variant.
Coding change: c.328A>G on transcript NM_001845.6 (MANE Select); coding-DNA position 328, A replaced by G.
Protein change: p.Ile110Val; replaces isoleucine 110 with valine.
Molecular consequence: missense variant.
Genome position (GRCh38, 1-based): chr13:110,212,476, T>C on the plus strand (A>G on the coding strand, the complement: COL4A1 is on the minus strand). VCF-style: chr13-110212476-T-C. GRCh37 (hg19) VCF-style: chr13-110864823-T-C.
Other names: c.328A>G, p.Ile110Val (NM_001303110.2); c.328A>G (NM_001845.4); short protein forms I110V.
Identifiers: ClinVar variation 3575754 (VCV003575754.3).